The following is an entry in ClinVar:

ClinVar aggregate classification (germline): Benign/Likely benign. Review status: criteria provided, multiple submitters, no conflicts (2 of 4 stars). 5 submissions from 5 submitters: Benign (2); Likely benign (3). Last evaluated 2026-02-04.

Conditions:
Hepatic veno-occlusive disease-immunodeficiency syndrome. Also called: Hepatic Veno-Occlusive Disease with Immunodeficiency. Identifiers: Orphanet 79124, MedGen C1856128, MONDO:0009338, OMIM 235550. Disease mechanism: loss of function.

Allele frequency attached by ClinVar (database versions not stated): gnomAD 0.08779 and 0.09368; ESP Exome Variant Server 0.08834; TOPMed 0.08989; gnomAD exomes 0.10066 and 0.11053; ExAC 0.11421; 1000 Genomes Project 30x 0.12539; 1000 Genomes Project 0.13059.
gnomAD v4.1: 161,850 of 1,612,608 alleles (10%); highest among the groups gnomAD compares: South Asian, 23%; 9,687 homozygotes.

Submissions (5):

Labcorp Genetics (formerly Invitae), Labcorp
Classification: Benign for Hepatic veno-occlusive disease-immunodeficiency syndrome. Last evaluated: 2026-02-04. Review status: criteria provided, single submitter. Criteria: Invitae Variant Classification Sherloc (09022015). Collection method: clinical testing. Allele origin: germline.

Blueprint Genetics
Classification: Likely benign. Last evaluated: 2024-11-26. Review status: criteria provided, single submitter. Criteria: ACMG Guidelines, 2015. Collection method: clinical testing. Allele origin: germline.

Women's Health and Genetics/Laboratory Corporation of America, LabCorp
Classification: Likely benign. Last evaluated: 2021-12-03. Review status: criteria provided, single submitter. Criteria: LabCorp Variant Classification Summary - May 2015. Collection method: clinical testing. Allele origin: germline.

Laboratory for Molecular Medicine, Mass General Brigham Personalized Medicine
Classification: Benign. Last evaluated: 2016-03-29. Review status: criteria provided, single submitter. Criteria: LMM Criteria. Collection method: clinical testing. Allele origin: germline.
Comment: Variant identified in a genome or exome case(s) and assessed due to predicted null impact of the variant or pathogenic assertions in the literature or databases. Disclaimer: This variant has not undergone full assessment. The following are preliminary notes: MAF

Breakthrough Genomics
Classification: Likely benign. Review status: criteria provided, single submitter. Criteria: ACMG Guidelines, 2015. Collection method: not provided. Allele origin: germline. Inheritance: Autosomal recessive inheritance. Affected: yes.

NM_080424.4(SP110):c.619G>A (p.Glu207Lys)

Genes: SP110 (SP110 nuclear body protein; minus strand), SP140 (SP140 nuclear body protein; plus strand). Cytogenetic location: 2q37.1.
Variant type: single nucleotide variant.
Coding change: c.619G>A on transcript NM_080424.4 (MANE Select); coding-DNA position 619, G replaced by A.
Protein change: p.Glu207Lys; replaces glutamic acid 207 with lysine.
Molecular consequence: missense variant.
Genome position (GRCh38, 1-based): chr2:230,212,395, C>T on the plus strand (G>A on the coding strand, the complement: SP110 is on the minus strand). VCF-style: chr2-230212395-C-T. GRCh37 (hg19) VCF-style: chr2-231077110-C-T.
Other names: c.637G>A, p.Glu213Lys (NM_001185015.2, NM_001378442.1, NM_001378444.1 and 2 more transcripts); c.619G>A, p.Glu207Lys (NM_001378443.1, NM_001378447.1, NM_004509.5 and 1 more transcripts); short protein forms E207K, E213K.
Identifiers: ClinVar variation 334910 (VCV000334910.18), dbSNP rs9061, ClinGen allele CA2154780.